The following is an entry in ClinVar:

NM_000088.4(COL1A1):c.642+2T>A

Gene: COL1A1 (collagen type I alpha 1 chain; minus strand). Cytogenetic location: 17q21.33.
Variant type: single nucleotide variant.
Coding change: c.642+2T>A on transcript NM_000088.4 (MANE Select); the canonical splice donor site of the intron after coding-DNA position 642, T replaced by A.
Molecular consequence: splice donor variant.
Genome position (GRCh38, 1-based): chr17:50,197,947, A>T on the plus strand (T>A on the coding strand, the complement: COL1A1 is on the minus strand). VCF-style: chr17-50197947-A-T. GRCh37 (hg19) VCF-style: chr17-48275308-A-T.
Identifiers: ClinVar variation 1074370 (VCV001074370.9), dbSNP rs2144586769, ClinGen allele CA400224995.

ClinVar aggregate classification (germline): Pathogenic (1 of 4 stars; one submission).

Conditions:
Osteogenesis imperfecta type I (OI1). Also called: OI, TYPE I; OSTEOGENESIS IMPERFECTA TARDA; OSTEOGENESIS IMPERFECTA WITH BLUE SCLERAE; Osteogenesis imperfecta type 1; Classic Non-deforming Osteogenesis Imperfecta with Blue Sclerae; Lobstein's Disease. Identifiers: Orphanet 216796, Orphanet 666, MedGen C0023931, MONDO:0008146, OMIM 166200. Disease mechanism: loss of function.

Submission:

Labcorp Genetics (formerly Invitae), Labcorp
Classification: Pathogenic for Osteogenesis imperfecta type I. Last evaluated: 2020-04-20. Review status: criteria provided, single submitter. Criteria: Invitae Variant Classification Sherloc (09022015). Collection method: clinical testing. Allele origin: germline.
Comment: Donor and acceptor splice site variants typically lead to a loss of protein function (PMID: 16199547), and loss-of-function variants in COL1A1 are known to be pathogenic (PMID: 7942841, 9295084, 9443882). Algorithms developed to predict the effect of sequence changes on RNA splicing suggest that this variant may disrupt the consensus splice site, but this prediction has not been confirmed by published transcriptional studies. Disruption of this splice site has been observed in individual(s) with osteogenesis imperfecta, type IV (PMID: 26627451). This variant is not present in population databases (ExAC no frequency). This sequence change affects a donor splice site in intron 8 of the COL1A1 gene. It is expected to disrupt RNA splicing and likely results in an absent or disrupted protein product. For these reasons, this variant has been classified as Pathogenic.

Literature cited by the submitters: PubMed 16199547; PubMed 7942841; PubMed 9295084; PubMed 9443882; PubMed 26627451.